The following is an entry in ClinVar:

NM_001242957.3(MAK):c.36C>T (p.Asp12=)

Gene: MAK (male germ cell associated kinase; minus strand). Cytogenetic location: 6p24.2.
Variant type: single nucleotide variant.
Coding change: c.36C>T on transcript NM_001242957.3 (MANE Select); coding-DNA position 36, C replaced by T.
Protein change: p.Asp12=; no amino-acid change (aspartic acid 12 retained).
Molecular consequence: synonymous variant. On other transcripts: non-coding transcript variant (2), intron variant (1).
Genome position (GRCh38, 1-based): chr6:10,830,613, G>A on the plus strand (C>T on the coding strand, the complement: MAK is on the minus strand). VCF-style: chr6-10830613-G-A. GRCh37 (hg19) VCF-style: chr6-10830846-G-A.
Other names: c.36C>T, p.Asp12= (NM_001242385.2, NM_005906.6); c.-2+7890C>T (NM_001377262.1); c.36C>T (NM_001242957.2).
Identifiers: ClinVar variation 1131015 (VCV001131015.18), dbSNP rs138352622, ClinGen allele CA3633851.

ClinVar aggregate classification (germline): Likely benign. Review status: criteria provided, multiple submitters, no conflicts (2 of 4 stars). 4 submissions from 4 submitters: Likely benign (4). Last evaluated 2026-03-04.

Conditions:
MAK-related disorder. Also called: MAK-related condition.

Allele frequency attached by ClinVar (database versions not stated): ExAC 0.00004; gnomAD exomes 0.00004; gnomAD 0.00007 and 0.00008; TOPMed 0.00010; ESP Exome Variant Server 0.00015.
gnomAD v4.1: 74 of 1,613,920 alleles (0.0046%); highest among the groups gnomAD compares: East Asian, 0.0067%; no homozygotes.

Submissions (4):

PreventionGenetics, part of Exact Sciences
Classification: Likely benign for MAK-related condition. Last evaluated: 2026-03-04. Review status: criteria provided, single submitter. Criteria: ACMG Guidelines, 2015. Collection method: clinical testing. Allele origin: germline.
Comment: This variant is classified as likely benign based on ACMG/AMP sequence variant interpretation guidelines (Richards et al. 2015 PMID: 25741868, with internal and published modifications).

Labcorp Genetics (formerly Invitae), Labcorp
Classification: Likely benign. Last evaluated: 2026-01-13. Review status: criteria provided, single submitter. Criteria: Invitae Variant Classification Sherloc (09022015). Collection method: clinical testing. Allele origin: germline.

CeGaT Center for Human Genetics Tuebingen
Classification: Likely benign. Last evaluated: 2025-03-01. Review status: criteria provided, single submitter. Criteria: CeGaT Center For Human Genetics Tuebingen Variant Classification Criteria Version 2. Collection method: clinical testing. Allele origin: germline. Affected: yes. Observed: 1 variant allele.
Comment: MAK: BP4, BP7

Blueprint Genetics
Classification: Likely benign. Last evaluated: 2019-07-31. Review status: criteria provided, single submitter. Criteria: ACMG Guidelines, 2015. Collection method: clinical testing. Allele origin: germline.